The following is an entry in ClinVar:

NM_014727.3(KMT2B):c.8037C>T (p.Arg2679=)

Gene: KMT2B (lysine methyltransferase 2B; plus strand). Cytogenetic location: 19q13.12.
Variant type: single nucleotide variant.
Coding change: c.8037C>T on transcript NM_014727.3 (MANE Select); coding-DNA position 8037, C replaced by T.
Protein change: p.Arg2679=; no amino-acid change (arginine 2679 retained).
Molecular consequence: synonymous variant.
Genome position (GRCh38, 1-based): chr19:35,738,446, C>T. VCF-style: chr19-35738446-C-T. GRCh37 (hg19) VCF-style: chr19-36229347-C-T.
Identifiers: ClinVar variation 4872957 (VCV004872957.2).

ClinVar aggregate classification (germline): Likely benign (1 of 4 stars; one submission).

gnomAD v4.1: 3 of 1,614,140 alleles (0.00019%); highest among the groups gnomAD compares: South Asian, 0.0011%; no homozygotes.

Submission:

CeGaT Center for Human Genetics Tuebingen
Classification: Likely benign. Last evaluated: 2026-04-01. Review status: criteria provided, single submitter. Criteria: CeGaT Center For Human Genetics Tuebingen Variant Classification Criteria Version 2. Collection method: clinical testing. Allele origin: germline. Affected: yes. Observed: 1 variant allele.
Comment: KMT2B: BP4, BP7